The following is an entry in ClinVar:

ClinVar aggregate classification (germline): Uncertain significance (1 of 4 stars; one submission).

Conditions:
Cardiovascular phenotype. Identifiers: MedGen CN230736.

Submission:

Ambry Genetics
Classification: Uncertain significance for Cardiovascular phenotype. Last evaluated: 2026-09-11. Review status: criteria provided, single submitter. Criteria: Ambry Variant Classification Scheme 2023. Collection method: clinical testing. Allele origin: germline.
Comment: The p.A312T variant (also known as c.934G>A), located in coding exon 4 of the BAG3 gene, results from a G to A substitution at nucleotide position 934. The alanine at codon 312 is replaced by threonine, an amino acid with similar properties. This amino acid position is conserved. In addition, this alteration is predicted to be tolerated by in silico analysis. Based on the available evidence, the clinical significance of this variant remains unclear.

NM_004281.4(BAG3):c.934G>A (p.Ala312Thr)

Gene: BAG3 (BAG cochaperone 3; plus strand). Cytogenetic location: 10q26.11.
Variant type: single nucleotide variant.
Coding change: c.934G>A on transcript NM_004281.4 (MANE Select); coding-DNA position 934, G replaced by A.
Protein change: p.Ala312Thr; replaces alanine 312 with threonine.
Molecular consequence: missense variant.
Genome position (GRCh38, 1-based): chr10:119,676,488, G>A. VCF-style: chr10-119676488-G-A. GRCh37 (hg19) VCF-style: chr10-121436000-G-A.
Other names: short protein forms A312T.
Identifiers: ClinVar variation 4192180 (VCV004192180.2).
Genomic context (GRCh38, chr10:119,676,488, plus strand): 5'-AGTTATTAAAAATATATTTTTGTGTCCTTTTTTCAGCAGCCCATGACCCATCGAGAAACT[G>A]CACCTGTTTCCCAGCCTGAAAACAAACCAGAAAGTAAGCCAGGCCCAGTTGGACCAGAAC-3'
Protein context (NP_004272.2, residues 302-322): PQQPMTHRET[Ala312Thr]PVSQPENKPE